The following is an entry in ClinVar:

ClinVar aggregate classification (germline): Likely benign. Review status: criteria provided, multiple submitters, no conflicts (2 of 4 stars). 2 submissions from 2 submitters: Likely benign (2). Last evaluated 2025-10-28.

Allele frequency attached by ClinVar (database versions not stated): ExAC 0.00007; ESP Exome Variant Server 0.00008; gnomAD exomes 0.00011; TOPMed 0.00011; gnomAD 0.00012.
gnomAD v4.1: 172 of 1,614,008 alleles (0.011%); highest among the groups gnomAD compares: Non-Finnish European, 0.014%; no homozygotes.

Submissions (2):

Mayo Clinic Laboratories, Mayo Clinic
Classification: Likely benign. Last evaluated: 2025-10-28. Review status: criteria provided, single submitter. Criteria: ACMG Guidelines, 2015. Collection method: clinical testing. Allele origin: germline. Observed: 1 variant allele.
Comment: BP4, BP7, PM2_supporting

Labcorp Genetics (formerly Invitae), Labcorp
Classification: Likely benign. Last evaluated: 2025-01-28. Review status: criteria provided, single submitter. Criteria: Invitae Variant Classification Sherloc (09022015). Collection method: clinical testing. Allele origin: germline.

NM_002615.7(SERPINF1):c.1050C>T (p.Pro350=)

Gene: SERPINF1 (serpin family F member 1; plus strand). Cytogenetic location: 17p13.3.
Variant type: single nucleotide variant.
Coding change: c.1050C>T on transcript NM_002615.7 (MANE Select); coding-DNA position 1050, C replaced by T.
Protein change: p.Pro350=; no amino-acid change (proline 350 retained).
Molecular consequence: synonymous variant.
Genome position (GRCh38, 1-based): chr17:1,777,239, C>T. VCF-style: chr17-1777239-C-T. GRCh37 (hg19) VCF-style: chr17-1680533-C-T.
Other names: p.Pro350=; c.1050C>T, p.Pro350= (NM_001329903.2); c.489C>T, p.Pro163= (NM_001329904.2, NM_001329905.2).
Identifiers: ClinVar variation 2173815 (VCV002173815.5), dbSNP rs367927633, ClinGen allele CA8274943.